The following is an entry in ClinVar:

ClinVar aggregate classification (germline): Uncertain significance (1 of 4 stars; one submission).

Allele frequency attached by ClinVar (database versions not stated): gnomAD exomes 0.00002; TOPMed 0.00002; gnomAD 0.00003; ExAC 0.00014.
gnomAD v4.1: 38 of 1,466,448 alleles (0.0026%); highest among the groups gnomAD compares: Non-Finnish European, 0.003%; no homozygotes.

Submission:

Labcorp Genetics (formerly Invitae), Labcorp
Classification: Uncertain significance. Last evaluated: 2022-07-12. Review status: criteria provided, single submitter. Criteria: Invitae Variant Classification Sherloc (09022015). Collection method: clinical testing. Allele origin: germline.
Comment: This sequence change replaces alanine, which is neutral and non-polar, with valine, which is neutral and non-polar, at codon 2 of the ISCU protein (p.Ala2Val). The frequency data for this variant in the population databases is considered unreliable, as metrics indicate poor data quality at this position in the gnomAD database. This variant has not been reported in the literature in individuals affected with ISCU-related conditions. ClinVar contains an entry for this variant (Variation ID: 1367098). Algorithms developed to predict the effect of missense changes on protein structure and function are either unavailable or do not agree on the potential impact of this missense change (SIFT: "Tolerated"; PolyPhen-2: "Not Available"; Align-GVGD: "Class C0"). In summary, the available evidence is currently insufficient to determine the role of this variant in disease. Therefore, it has been classified as a Variant of Uncertain Significance.

NM_213595.4(ISCU):c.5C>T (p.Ala2Val)

Gene: ISCU (iron-sulfur cluster assembly enzyme; plus strand). Cytogenetic location: 12q23.3.
Variant type: single nucleotide variant.
Coding change: c.5C>T on transcript NM_213595.4 (MANE Select); coding-DNA position 5, C replaced by T.
Protein change: p.Ala2Val; replaces alanine 2 with valine.
Molecular consequence: missense variant. On other transcripts: 5 prime UTR variant (1), non-coding transcript variant (1).
Genome position (GRCh38, 1-based): chr12:108,562,627, C>T. VCF-style: chr12-108562627-C-T. GRCh37 (hg19) VCF-style: chr12-108956403-C-T.
Other names: c.5C>T, p.Ala2Val (NM_001301140.1, NM_001301141.1, NM_001320042.1); c.-167C>T (NM_014301.4); short protein forms A2V.
Identifiers: ClinVar variation 1367098 (VCV001367098.5), dbSNP rs770958308, ClinGen allele CA6768669.